The following is an entry in ClinVar:

NM_001110556.2(FLNA):c.7024-3C>T

Gene: FLNA (filamin A; minus strand). Cytogenetic location: Xq28.
Variant type: single nucleotide variant.
Coding change: c.7024-3C>T on transcript NM_001110556.2 (MANE Select); 3 bases into the intron before coding-DNA position 7024, C replaced by T.
Molecular consequence: intron variant.
Genome position (GRCh38, 1-based): chrX:154,351,044, G>A on the plus strand (C>T on the coding strand, the complement: FLNA is on the minus strand). VCF-style: chrX-154351044-G-A. GRCh37 (hg19) VCF-style: chrX-153579412-G-A.
Other names: c.7000-3C>T (NM_001456.4).
Identifiers: ClinVar variation 1999964 (VCV001999964.4), dbSNP rs2522717320, ClinGen allele CA2580101890.

ClinVar aggregate classification (germline): Uncertain significance (1 of 4 stars; one submission).

Conditions:
Oto-palato-digital syndrome, type II (OPD2). Also called: FACIOPALATOOSSEOUS SYNDROME; OPD II SYNDROME; Otopalatodigital Syndrome Type 2 (FLNA-OPD2); Otopalatodigital Syndrome, Type II. Identifiers: Orphanet 669, Orphanet 90652, MedGen C1844696, MONDO:0010571, OMIM 304120.
Melnick-Needles syndrome (MNS). Also called: MELNICK-NEEDLES OSTEODYSPLASTY; OSTEODYSPLASTY OF MELNICK AND NEEDLES; Melnick-Needles Syndrome (FLNA-MNS). Identifiers: Orphanet 2484, MedGen C0025237, MONDO:0010650, OMIM 309350.
Frontometaphyseal dysplasia (FMD1). Identifiers: Orphanet 1826, MedGen C0265293, MONDO:0015942.
Heterotopia, periventricular, X-linked dominant (PVNH1). Also called: PERIVENTRICULAR NODULAR HETEROTOPIA 1; X-linked periventricular heterotopia; PERIVENTRICULAR NODULAR HETEROTOPIA 4; HETEROTOPIA, PERIVENTRICULAR, 1. Identifiers: Orphanet 2149, Orphanet 82004, MedGen C1848213, MONDO:0010233, OMIM 300049.

Submission:

Labcorp Genetics (formerly Invitae), Labcorp
Classification: Uncertain significance for Oto-palato-digital syndrome, type II; Heterotopia, periventricular, X-linked dominant; Frontometaphyseal dysplasia; Melnick-Needles syndrome. Last evaluated: 2024-10-27. Review status: criteria provided, single submitter. Criteria: Invitae Variant Classification Sherloc (09022015). Collection method: clinical testing. Allele origin: germline.
Comment: This sequence change falls in intron 42 of the FLNA gene. It does not directly change the encoded amino acid sequence of the FLNA protein. It affects a nucleotide within the consensus splice site. This variant is not present in population databases (gnomAD no frequency). This variant has not been reported in the literature in individuals affected with FLNA-related conditions. ClinVar contains an entry for this variant (Variation ID: 1999964). Variants that disrupt the consensus splice site are a relatively common cause of aberrant splicing (PMID: 17576681, 9536098). Algorithms developed to predict the effect of sequence changes on RNA splicing suggest that this variant is not likely to affect RNA splicing. In summary, the available evidence is currently insufficient to determine the role of this variant in disease. Therefore, it has been classified as a Variant of Uncertain Significance.

Literature cited by the submitters: PubMed 17576681; PubMed 9536098.